The following is an entry in ClinVar:

NM_000094.4(COL7A1):c.7136del (p.Pro2379fs)

Gene: COL7A1 (collagen type VII alpha 1 chain; minus strand). Cytogenetic location: 3p21.31.
Variant type: Deletion.
Coding change: c.7136del on transcript NM_000094.4 (MANE Select); coding-DNA position 7136, one base deleted (C; older notation c.7136delC).
Protein change: p.Pro2379fs; shifts the reading frame from proline 2379.
Molecular consequence: frameshift variant.
Genome position (GRCh38, 1-based): chr3:48,571,129, G deleted on the plus strand (C on the coding strand, the reverse complement: COL7A1 is on the minus strand); the first of 4 consecutive G bases (chr3:48,571,129-48,571,132); deleting any one gives the same sequence. VCF-style (leftmost placement, unchanged base first): chr3-48571128-AG-A. GRCh37 (hg19) VCF-style: chr3-48608561-AG-A.
Other names: c.7133delC, p.Pro2379Leufs (NM_000094.3); short protein forms P2379fs.
Identifiers: ClinVar variation 4817398 (VCV004817398.1).

ClinVar aggregate classification (germline): Likely pathogenic (1 of 4 stars; one submission).

Conditions:
Epidermolysis bullosa dystrophica. Also called: Dystrophic epidermolysis bullosa, Hallopeau-Siemens type (formerly); Dystrophic epidermolysis bullosa. Identifiers: Orphanet 303, MedGen C0079294, MONDO:0006543.

Submission:

Natera, Inc.
Classification: Likely pathogenic for Dystrophic epidermolysis bullosa. Last evaluated: 2024-06-20. Review status: criteria provided, single submitter. Criteria: Natera Variant Classification Schema (03/2026). Collection method: clinical testing. Allele origin: germline.
Comment: The c.7136del variant in COL7A1 is a frameshift variant predicted to shift the reading frame beginning at codon 2379 and leads to a stop codon 9 codons downstream. This variant is expected to result in nonsense mediated decay, truncation, or a dysfunctional protein product. This variant is rare in the general population with a frequency below the threshold expected for the associated phenotype(s). Given the available evidence, this variant is classified as Likely Pathogenic.